The following is an entry in ClinVar:

NM_000051.4(ATM):c.5178-11G>T

Gene: ATM (ATM serine/threonine kinase; plus strand). Cytogenetic location: 11q22.3.
Variant type: single nucleotide variant.
Coding change: c.5178-11G>T on transcript NM_000051.4 (MANE Select); 11 bases into the intron before coding-DNA position 5178, G replaced by T.
Molecular consequence: intron variant.
Genome position (GRCh38, 1-based): chr11:108,301,637, G>T. VCF-style: chr11-108301637-G-T. GRCh37 (hg19) VCF-style: chr11-108172364-G-T.
Other names: c.5178-11G>T (NM_001351834.2).
Identifiers: ClinVar variation 1332515 (VCV001332515.13), dbSNP rs200876654, ClinGen allele CA6265656.

ClinVar aggregate classification (germline): Conflicting classifications of pathogenicity. Review status: criteria provided, conflicting classifications (1 of 4 stars). 3 submissions from 3 submitters: Uncertain significance (1); Likely benign (2). Last evaluated 2026-01-16.

Conditions:
Hereditary cancer-predisposing syndrome. Also called: Hereditary Cancer Syndrome; Hereditary neoplastic syndrome; Neoplastic Syndromes, Hereditary; Tumor predisposition. Identifiers: Orphanet 140162, MedGen C0027672, MeSH D009386, MONDO:0015356.
Familial cancer of breast. Also called: BREAST CANCER, FAMILIAL; hereditary breast carcinoma; Hereditary breast cancer. Identifiers: Orphanet 227535, MedGen C0346153, MONDO:0016419, OMIM 114480. Disease mechanism: loss of function.
Ataxia-telangiectasia syndrome (AT). Also called: LOUIS-BAR SYNDROME; Cerebello-oculocutaneous telangiectasia; Immunodeficiency with ataxia telangiectasia; Ataxia-telangiectasia, complementation group D; AT, COMPLEMENTATION GROUP C; ATAXIA-TELANGIECTASIA, COMPLEMENTATION GROUP A. Identifiers: Orphanet 100, MedGen C0004135, MONDO:0008840, OMIM 208900.

Allele frequency attached by ClinVar (database versions not stated): ExAC 0.00001.
gnomAD v4.1: 3 of 1,613,088 alleles (0.00019%); highest among the groups gnomAD compares: Non-Finnish European, 0.00025%; no homozygotes.

Submissions (3):

Labcorp Genetics (formerly Invitae), Labcorp
Classification: Likely benign for Ataxia-telangiectasia syndrome. Last evaluated: 2026-01-16. Review status: criteria provided, single submitter. Criteria: Invitae Variant Classification Sherloc (09022015). Collection method: clinical testing. Allele origin: germline.

Myriad Genetics, Inc.
Classification: Likely benign for Familial cancer of breast. Last evaluated: 2024-05-22. Review status: criteria provided, single submitter. Criteria: Myriad Autosomal Dominant, Autosomal Recessive and X-Linked Classification Criteria (2023). Collection method: clinical testing. Allele origin: unknown.
Comment: This variant is considered likely benign. This variant is intronic and is not expected to impact mRNA splicing.

Color Diagnostics, LLC DBA Color Health
Classification: Uncertain significance for Hereditary cancer-predisposing syndrome. Last evaluated: 2022-12-07. Review status: criteria provided, single submitter. Criteria: ACMG Guidelines, 2015. Collection method: clinical testing. Allele origin: germline.
Comment: This variant causes a G to T nucleotide substitution at the -11 position of intron 34 of the ATM gene. To our knowledge, RNA functional studies have not been reported for this variant. This variant has not been reported in individuals affected with hereditary cancer in the literature. This variant has been identified in 1/251114 chromosomes in the general population by the Genome Aggregation Database (gnomAD). The available evidence is insufficient to determine the role of this variant in disease conclusively. Therefore, this variant is classified as a Variant of Uncertain Significance.